The following is an entry in ClinVar:

ClinVar aggregate classification (germline): Uncertain significance (1 of 4 stars; one submission).

Submission:

CeGaT Center for Human Genetics Tuebingen
Classification: Uncertain significance. Last evaluated: 2025-01-01. Review status: criteria provided, single submitter. Criteria: CeGaT Center For Human Genetics Tuebingen Variant Classification Criteria Version 2. Collection method: clinical testing. Allele origin: germline. Affected: yes. Observed: 1 variant allele.
Comment: NIPBL: PM2

NM_133433.4(NIPBL):c.7475A>G (p.Asp2492Gly)

Gene: NIPBL (NIPBL cohesin loading factor; plus strand). Cytogenetic location: 5p13.2.
Variant type: single nucleotide variant.
Coding change: c.7475A>G on transcript NM_133433.4 (MANE Select); coding-DNA position 7475, A replaced by G.
Protein change: p.Asp2492Gly; replaces aspartic acid 2492 with glycine.
Molecular consequence: missense variant.
Genome position (GRCh38, 1-based): chr5:37,058,955, A>G. VCF-style: chr5-37058955-A-G. GRCh37 (hg19) VCF-style: chr5-37059057-A-G.
Other names: c.7475A>G, p.Asp2492Gly (NM_015384.5); short protein forms D2492G.
Identifiers: ClinVar variation 3772310 (VCV003772310.13).